The following is an entry in ClinVar:

NM_003482.4(KMT2D):c.1147del (p.Asp383fs)

Gene: KMT2D (lysine methyltransferase 2D; minus strand). Cytogenetic location: 12q13.12.
Variant type: Deletion.
Coding change: c.1147del on transcript NM_003482.4 (MANE Select); coding-DNA position 1147, one base deleted (G; older notation c.1147delG).
Protein change: p.Asp383fs; shifts the reading frame from aspartic acid 383.
Molecular consequence: frameshift variant.
Genome position (GRCh38, 1-based): chr12:49,052,675, C deleted on the plus strand (G on the coding strand, the reverse complement: KMT2D is on the minus strand). VCF-style (leftmost placement, unchanged base first): chr12-49052674-TC-T. GRCh37 (hg19) VCF-style: chr12-49446457-TC-T.
Other names: short protein forms D383fs.
Identifiers: ClinVar variation 2822556 (VCV002822556.3), dbSNP rs2498461745, ClinGen allele CA2739272024.
Genomic context (GRCh38, chr12:49,052,674, plus strand): 5'-GAGGTCACGTGCCCACCCTTTGGCTGCCCTTGGCATGCAACGTACAGAGCATCGGGCTCG[TC>T]AGTGGGGGTATCGCCAGGCTCTGGGGGTGAAAATCTGCAGAGGGTACAGGGGAGCAGGCA-3'

ClinVar aggregate classification (germline): Pathogenic (1 of 4 stars; one submission).

Conditions:
Kabuki syndrome. Also called: Kabuki make-up syndrome; NIIKAWA-KUROKI SYNDROME. Identifiers: Orphanet 2322, MedGen C0796004, MONDO:0016512.

Submission:

Labcorp Genetics (formerly Invitae), Labcorp
Classification: Pathogenic for Kabuki syndrome. Last evaluated: 2022-12-20. Review status: criteria provided, single submitter. Criteria: Invitae Variant Classification Sherloc (09022015). Collection method: clinical testing. Allele origin: germline.
Comment: This sequence change creates a premature translational stop signal (p.Asp383Thrfs*19) in the KMT2D gene. It is expected to result in an absent or disrupted protein product. Loss-of-function variants in KMT2D are known to be pathogenic (PMID: 22126750). For these reasons, this variant has been classified as Pathogenic. This variant has not been reported in the literature in individuals affected with KMT2D-related conditions. This variant is not present in population databases (gnomAD no frequency).

Literature cited by the submitters: PubMed 22126750.